The following is an entry in ClinVar:

NM_001144967.3(NEDD4L):c.799G>A (p.Gly267Arg)

Gene: NEDD4L (NEDD4 like E3 ubiquitin protein ligase; plus strand). Cytogenetic location: 18q21.31.
Variant type: single nucleotide variant.
Coding change: c.799G>A on transcript NM_001144967.3 (MANE Select); coding-DNA position 799, G replaced by A.
Protein change: p.Gly267Arg; replaces glycine 267 with arginine.
Molecular consequence: missense variant.
Genome position (GRCh38, 1-based): chr18:58,329,113, G>A. VCF-style: chr18-58329113-G-A. GRCh37 (hg19) VCF-style: chr18-55996345-G-A.
Other names: c.436G>A, p.Gly146Arg (NM_001144964.1, NM_001144965.2, NM_001144966.3 and 2 more transcripts); c.775G>A, p.Gly259Arg (NM_001144968.2, NM_001144969.2); c.799G>A, p.Gly267Arg (NM_001243960.2, NM_015277.6); c.799G>A (NM_015277.5); short protein forms G146R, G259R, G267R.
Identifiers: ClinVar variation 1395054 (VCV001395054.10), dbSNP rs1363271940, ClinGen allele CA402554687.
Genomic context (GRCh38, chr18:58,329,113, plus strand): 5'-CGGCGCTTCCGCTCCCGCAGGCACATCAGCGAAGACTTGGAGCCCGAGCCCTCGGAGGGC[G>A]GGGATGTCCCCGAGGTACGATGTCCCCAGAATGGTGCAAAGCCCGGCAGCTCCTTCTTCC-3'
Protein context (NP_001138439.1, residues 257-277): EDLEPEPSEG[Gly267Arg]DVPEPWETIS

ClinVar aggregate classification (germline): Uncertain significance. Review status: criteria provided, multiple submitters, no conflicts (2 of 4 stars). 3 submissions from 3 submitters: Uncertain significance (3). Last evaluated 2024-09-30.

Conditions:
Periventricular nodular heterotopia 7 (PVNH7). Identifiers: MedGen C4310669, MONDO:0014966, OMIM 617201.
Inborn genetic diseases. Identifiers: MedGen C0950123, MeSH D030342.

Allele frequency attached by ClinVar (database versions not stated): TOPMed below 0.00001; gnomAD 0.00001; gnomAD exomes 0.00001.

Submissions (3):

Ambry Genetics
Classification: Uncertain significance for Inborn genetic diseases. Last evaluated: 2024-09-30. Review status: criteria provided, single submitter. Criteria: Ambry Variant Classification Scheme 2023. Collection method: clinical testing. Allele origin: germline.

Labcorp Genetics (formerly Invitae), Labcorp
Classification: Uncertain significance. Last evaluated: 2022-07-19. Review status: criteria provided, single submitter. Criteria: Invitae Variant Classification Sherloc (09022015). Collection method: clinical testing. Allele origin: germline.
Comment: This sequence change replaces glycine, which is neutral and non-polar, with arginine, which is basic and polar, at codon 267 of the NEDD4L protein (p.Gly267Arg). In summary, the available evidence is currently insufficient to determine the role of this variant in disease. Therefore, it has been classified as a Variant of Uncertain Significance. Algorithms developed to predict the effect of missense changes on protein structure and function (SIFT, PolyPhen-2, Align-GVGD) all suggest that this variant is likely to be tolerated. ClinVar contains an entry for this variant (Variation ID: 1395054). This variant has not been reported in the literature in individuals affected with NEDD4L-related conditions. This variant is present in population databases (no rsID available, gnomAD 0.002%).

Department of Pathology and Laboratory Medicine, Sinai Health System
Classification: Uncertain significance for Periventricular nodular heterotopia 7. Last evaluated: 2021-07-30. Review status: criteria provided, single submitter. Criteria: ACMG Guidelines, 2015. Collection method: research. Allele origin: germline.